The following is an entry in ClinVar:

ClinVar aggregate classification (germline): Uncertain significance (1 of 4 stars; one submission).

Conditions:
Camptomelic dysplasia (CMPD). Also called: CMPD1/SRA1; Campomelic Dysplasia. Identifiers: Orphanet 140, MedGen C1861922, MONDO:0007251, OMIM 114290.

gnomAD v4.1: 47 of 1,613,364 alleles (0.0029%); highest among the groups gnomAD compares: Middle Eastern, 0.049%; no homozygotes.

Submission:

Labcorp Genetics (formerly Invitae), Labcorp
Classification: Uncertain significance for Camptomelic dysplasia. Last evaluated: 2025-05-24. Review status: criteria provided, single submitter. Criteria: Invitae Variant Classification Sherloc (09022015). Collection method: clinical testing. Allele origin: germline.
Comment: This sequence change replaces serine, which is neutral and polar, with asparagine, which is neutral and polar, at codon 453 of the SOX9 protein (p.Ser453Asn). This variant is present in population databases (rs768237701, gnomAD 0.01%). This variant has not been reported in the literature in individuals affected with SOX9-related conditions. ClinVar contains an entry for this variant (Variation ID: 3665522). Invitae Evidence Modeling of protein sequence and biophysical properties (such as structural, functional, and spatial information, amino acid conservation, physicochemical variation, residue mobility, and thermodynamic stability) has been performed for this missense variant. However, the output from this modeling did not meet the statistical confidence thresholds required to predict the impact of this variant on SOX9 protein function. In summary, the available evidence is currently insufficient to determine the role of this variant in disease. Therefore, it has been classified as a Variant of Uncertain Significance.

NM_000346.4(SOX9):c.1358G>A (p.Ser453Asn)

Gene: SOX9 (SRY-box transcription factor 9; plus strand). Cytogenetic location: 17q24.3.
Variant type: single nucleotide variant.
Coding change: c.1358G>A on transcript NM_000346.4 (MANE Select); coding-DNA position 1358, G replaced by A.
Protein change: p.Ser453Asn; replaces serine 453 with asparagine.
Molecular consequence: missense variant.
Genome position (GRCh38, 1-based): chr17:72,124,215, G>A. VCF-style: chr17-72124215-G-A. GRCh37 (hg19) VCF-style: chr17-70120356-G-A.
Other names: short protein forms S453N.
Identifiers: ClinVar variation 3665522 (VCV003665522.2).